The following is an entry in ClinVar:

NM_001320.7(CSNK2B):c.362C>T (p.Pro121Leu)

Gene: CSNK2B (casein kinase 2 beta; plus strand). Cytogenetic location: 6p21.33.
Variant type: single nucleotide variant.
Coding change: c.362C>T on transcript NM_001320.7 (MANE Select); coding-DNA position 362, C replaced by T.
Protein change: p.Pro121Leu; replaces proline 121 with leucine.
Molecular consequence: missense variant.
Genome position (GRCh38, 1-based): chr6:31,669,167, C>T. VCF-style: chr6-31669167-C-T. GRCh37 (hg19) VCF-style: chr6-31636944-C-T.
Other names: c.362C>T, p.Pro121Leu (NM_001282385.2); short protein forms P121L.
Identifiers: ClinVar variation 5016714 (VCV005016714.1).

ClinVar aggregate classification (germline): Uncertain significance (1 of 4 stars; one submission).

Submission:

GeneDx
Classification: Uncertain significance. Last evaluated: 2026-03-30. Review status: criteria provided, single submitter. Criteria: GeneDx Variant Classification Process June 2021. Collection method: clinical testing. Allele origin: germline.
Comment: Not observed at significant frequency in large population cohorts (gnomAD); In silico analysis supports that this missense variant has a deleterious effect on protein structure/function; Has not been previously published as pathogenic or benign to our knowledge